The following is an entry in ClinVar:

ClinVar aggregate classification (germline): Likely pathogenic. Review status: criteria provided, multiple submitters, no conflicts (2 of 4 stars). 3 submissions from 3 submitters: Likely pathogenic (2). 1 of the submissions does not count toward it. Last evaluated 2025-08-27.

Conditions:
Myopathy caused by variation in POMGNT1. Identifiers: MedGen CN305639, MONDO:0700068.
Muscular dystrophy-dystroglycanopathy (congenital with brain and eye anomalies), type A3. Also called: Congenital muscular dystrophy-dystroglycanopathy with brain and eye anomalies, type A3; Muscular dystrophy-dystroglycanopathy (congenital with brain and eye anomalies), type A, 3; WALKER-WARBURG SYNDROME OR MUSCLE-EYE-BRAIN DISEASE, POMGNT1-RELATED. Identifiers: MedGen C3151519, MONDO:0009667, OMIM 253280.
Muscular dystrophy-dystroglycanopathy (congenital with impaired intellectual development), type B, 3. Also called: Muscular dystrophy-dystroglycanopathy (congenital with intellectual disability), type B3; MUSCULAR DYSTROPHY, CONGENITAL, POMGNT1-RELATED. Identifiers: MedGen C3150412, MONDO:0013155, OMIM 613151.
Autosomal recessive limb-girdle muscular dystrophy type 2O. Also called: Limb-Girdle Muscular Dystrophy Type 3C; MUSCULAR DYSTROPHY-DYSTROGLYCANOPATHY (LIMB-GIRDLE), TYPE C, 3; MUSCULAR DYSTROPHY-DYSTROGLYCANOPATHY, LIMB-GIRDLE, POMGNT1-RELATED. Identifiers: Orphanet 206564, MedGen C3150417, MONDO:0013161, OMIM 613157.

Allele frequency attached by ClinVar (database versions not stated): gnomAD exomes below 0.00001.
gnomAD v4.1: 1 of 1,609,924 alleles (0.000062%); highest among the groups gnomAD compares: Non-Finnish European, 0.000085%; no homozygotes.

Submissions (3):

Myriad Genetics, Inc.
Classification: Likely pathogenic for Myopathy caused by variation in POMGNT1. Last evaluated: 2025-08-27. Review status: criteria provided, single submitter. Criteria: Myriad Autosomal Dominant, Autosomal Recessive and X-Linked Classification Criteria (2023). Collection method: clinical testing. Allele origin: unknown.
Comment: NM_017739.3(POMGNT1):c.1786-1G>A is a variant in a canonical splice site classified as likely pathogenic in the context of POMGNT1-related disorders. c.1786-1G>A has not been observed in cases with relevant disease. Relevant functional assessments of this variant are not available in the literature. c.1786-1G>A has been observed in referenced population frequency databases. In summary, NM_017739.3(POMGNT1):c.1786-1G>A is a variant in a canonical splice site in a gene where loss of function is a known mechanism of disease and is predicted to disrupt protein function. Please note: this variant was assessed in the context of healthy population screening.

Labcorp Genetics (formerly Invitae), Labcorp
Classification: Likely pathogenic for Autosomal recessive limb-girdle muscular dystrophy type 2O; Muscular dystrophy-dystroglycanopathy (congenital with impaired intellectual development), type B, 3. Last evaluated: 2023-06-06. Review status: criteria provided, single submitter. Criteria: Invitae Variant Classification Sherloc (09022015). Collection method: clinical testing. Allele origin: germline.
Comment: In summary, the currently available evidence indicates that the variant is pathogenic, but additional data are needed to prove that conclusively. Therefore, this variant has been classified as Likely Pathogenic. Algorithms developed to predict the effect of sequence changes on RNA splicing suggest that this variant may disrupt the consensus splice site. ClinVar contains an entry for this variant (Variation ID: 552405). This variant has not been reported in the literature in individuals affected with POMGNT1-related conditions. This variant is not present in population databases (gnomAD no frequency). This sequence change affects an acceptor splice site in intron 20 of the POMGNT1 gene. It is expected to disrupt RNA splicing. Variants that disrupt the donor or acceptor splice site typically lead to a loss of protein function (PMID: 16199547), and loss-of-function variants in POMGNT1 are known to be pathogenic (PMID: 19299310, 20816175, 21447391, 26908613, 27391550).

Counsyl
Classification: Likely pathogenic for Muscular dystrophy-dystroglycanopathy (congenital with brain and eye anomalies), type A3. Last evaluated: 2017-06-09. Review status: no assertion criteria provided. Collection method: clinical testing. Allele origin: unknown. Not counted in ClinVar's aggregate classification.

Literature cited by the submitters: PubMed 16199547 (cited by Labcorp Genetics (formerly Invitae), Labcorp); PubMed 19299310 (cited by Labcorp Genetics (formerly Invitae), Labcorp); PubMed 20816175 (cited by Labcorp Genetics (formerly Invitae), Labcorp); PubMed 21447391 (cited by Labcorp Genetics (formerly Invitae), Labcorp); PubMed 26908613 (cited by Labcorp Genetics (formerly Invitae), Labcorp); PubMed 27391550 (cited by Labcorp Genetics (formerly Invitae), Labcorp).

NM_017739.4(POMGNT1):c.1786-1G>A

Genes: POMGNT1 (protein O-linked mannose N-acetylglucosaminyltransferase 1 (beta 1,2-); minus strand), TSPAN1 (tetraspanin 1; plus strand). Cytogenetic location: 1p34.1.
Variant type: single nucleotide variant.
Coding change: c.1786-1G>A on transcript NM_017739.4 (MANE Select); the canonical splice acceptor site of the intron before coding-DNA position 1786, G replaced by A.
Molecular consequence: splice acceptor variant.
Genome position (GRCh38, 1-based): chr1:46,189,568, C>T on the plus strand (G>A on the coding strand, the complement: POMGNT1 is on the minus strand). VCF-style: chr1-46189568-C-T. GRCh37 (hg19) VCF-style: chr1-46655240-C-T.
Other names: c.1786-1G>A (NM_001243766.2, NM_001438686.1, NM_001438688.1 and 3 more transcripts); c.1720-1G>A (NM_001290129.3, NM_001438691.1, NM_001438692.1); c.1357-1G>A (NM_001290130.2).
Identifiers: ClinVar variation 552405 (VCV000552405.6), dbSNP rs1457667479, ClinGen allele CA340171125.